The following is an entry in ClinVar:

NM_001142800.2(EYS):c.9338A>G (p.Lys3113Arg)

Genes: EYS (eyes shut homolog; minus strand), PHF3 (PHD finger protein 3; plus strand). Cytogenetic location: 6q12.
Variant type: single nucleotide variant.
Coding change: c.9338A>G on transcript NM_001142800.2 (MANE Select); coding-DNA position 9338, A replaced by G.
Protein change: p.Lys3113Arg; replaces lysine 3113 with arginine.
Molecular consequence: missense variant. On other transcripts: 3 prime UTR variant (5).
Genome position (GRCh38, 1-based): chr6:63,720,693, T>C on the plus strand (A>G on the coding strand, the complement: EYS is on the minus strand). VCF-style: chr6-63720693-T-C. GRCh37 (hg19) VCF-style: chr6-64430589-T-C.
Other names: c.*6985T>C (NM_001290259.2, NM_001370348.2, NM_001370349.2 and 2 more transcripts); c.9401A>G, p.Lys3134Arg (NM_001292009.2); short protein forms K3113R, K3134R.
Identifiers: ClinVar variation 934382 (VCV000934382.7), dbSNP rs1768342137, ClinGen allele CA364382707.

ClinVar aggregate classification (germline): Uncertain significance (1 of 4 stars; one submission).

Allele frequency attached by ClinVar (database versions not stated): gnomAD exomes below 0.00001.
gnomAD v4.1: 1 of 1,548,618 alleles (0.000065%); highest among the groups gnomAD compares: Non-Finnish European, 0.000087%; no homozygotes.

Submission:

Labcorp Genetics (formerly Invitae), Labcorp
Classification: Uncertain significance. Last evaluated: 2021-08-27. Review status: criteria provided, single submitter. Criteria: Invitae Variant Classification Sherloc (09022015). Collection method: clinical testing. Allele origin: germline.
Comment: This sequence change replaces lysine with arginine at codon 3113 of the EYS protein (p.Lys3113Arg). The lysine residue is highly conserved and there is a small physicochemical difference between lysine and arginine. This variant is not present in population databases (ExAC no frequency). This variant has not been reported in the literature in individuals affected with EYS-related conditions. Algorithms developed to predict the effect of missense changes on protein structure and function are either unavailable or do not agree on the potential impact of this missense change (SIFT: "Deleterious"; PolyPhen-2: "Benign"; Align-GVGD: "Class C0"). Algorithms developed to predict the effect of sequence changes on RNA splicing suggest that this variant may create or strengthen a splice site. In summary, the available evidence is currently insufficient to determine the role of this variant in disease. Therefore, it has been classified as a Variant of Uncertain Significance.